The following is an entry in ClinVar:

NM_001267550.2(TTN):c.23605C>T (p.Gln7869Ter)

Gene: TTN (titin; minus strand). Cytogenetic location: 2q31.2.
Variant type: single nucleotide variant.
Coding change: c.23605C>T on transcript NM_001267550.2 (MANE Select); coding-DNA position 23605, C replaced by T.
Protein change: p.Gln7869Ter; replaces glutamine 7869 with a stop codon.
Molecular consequence: nonsense. On other transcripts: intron variant (3).
Genome position (GRCh38, 1-based): chr2:178,720,037, G>A on the plus strand (C>T on the coding strand, the complement: TTN is on the minus strand). VCF-style: chr2-178720037-G-A. GRCh37 (hg19) VCF-style: chr2-179584764-G-A.
Other names: c.22654C>T, p.Gln7552Ter (NM_001256850.1); c.19873C>T, p.Gln6625Ter (NM_133378.4); c.13282+18045C>T (NM_003319.4); c.13858+18045C>T (NM_133437.4); c.13657+18045C>T (NM_133432.3); short protein forms Q6625*, Q7552*, Q7869*.
Identifiers: ClinVar variation 3382642 (VCV003382642.3).

ClinVar aggregate classification (germline): Likely pathogenic (1 of 4 stars; one submission).

Conditions:
Dilated cardiomyopathy 1G (CMD1G). Identifiers: Orphanet 154, MedGen C1858763, MONDO:0011400, OMIM 604145.
Hypertrophic cardiomyopathy 9. Also called: Familial hypertrophic cardiomyopathy 9. Identifiers: MedGen C1861065, MONDO:0013412, OMIM 613765.
Early-onset myopathy with fatal cardiomyopathy (CMYO5). Also called: Salih Myopathy; CONGENITAL MYOPATHY 5 WITH CARDIOMYOPATHY. Identifiers: Orphanet 289377, MedGen C2673677, MONDO:0012714, OMIM 611705. Disease mechanism: loss of function.
Tibial muscular dystrophy (TMD). Also called: Tibial muscular dystrophy, tardive; Udd Distal Myopathy – Tibial Muscular Dystrophy; UDD MYOPATHY. Identifiers: Orphanet 609, MedGen C1838244, MONDO:0010870, OMIM 600334.
Autosomal recessive limb-girdle muscular dystrophy type 2J (LGMDR10). Also called: MUSCULAR DYSTROPHY, LIMB-GIRDLE, AUTOSOMAL RECESSIVE 10; Limb-girdle muscular dystrophy, type 2J. Identifiers: Orphanet 140922, MedGen C1837342, MONDO:0012127, OMIM 608807.
Myopathy, myofibrillar, 9, with early respiratory failure (MFM9). Also called: EDSTROM MYOPATHY; Myopathy, distal, with early respiratory failure, autosomal dominant; Hereditary myopathy with early respiratory failure; MYOPATHY, PROXIMAL, WITH EARLY RESPIRATORY MUSCLE INVOLVEMENT. Identifiers: Orphanet 178464, Orphanet 34521, MedGen C1863599, MONDO:0011362, OMIM 603689.

Submission:

Juno Genomics, Hangzhou Juno Genomics, Inc
Classification: Likely pathogenic for Early-onset myopathy with fatal cardiomyopathy; Dilated cardiomyopathy 1G; Hypertrophic cardiomyopathy 9; Autosomal recessive limb-girdle muscular dystrophy type 2J; Myopathy, myofibrillar, 9, with early respiratory failure; Tibial muscular dystrophy. Review status: criteria provided, single submitter. Criteria: ACMG Guidelines, 2015. Collection method: clinical testing. Allele origin: germline.
Comment: Null variant in a gene where loss of function (LOF) is a known mechanism of disease.;Absent from controls (or at extremely low frequency if recessive) in Genome Aggregation Database.